The following is an entry in ClinVar:

ClinVar aggregate classification (germline): Pathogenic/Likely pathogenic. Review status: criteria provided, multiple submitters, no conflicts (2 of 4 stars). 2 submissions from 2 submitters: Pathogenic (1); Likely pathogenic (1). Last evaluated 2022-06-13.

Conditions:
Mucopolysaccharidosis type 6 (MPS6). Also called: N-ACETYLGALACTOSAMINE-4-SULFATASE DEFICIENCY; MPS VI; MPS 6; Maroteaux Lamy syndrome; ARSB DEFICIENCY; ARYLSULFATASE B DEFICIENCY. Identifiers: Orphanet 583, MedGen C0026709, MONDO:0009661, OMIM 253200.

Submissions (2):

MGZ Medical Genetics Center
Classification: Pathogenic for Mucopolysaccharidosis type 6. Last evaluated: 2022-06-13. Review status: criteria provided, single submitter. Criteria: ACMG Guidelines, 2015. Collection method: clinical testing. Allele origin: germline. Affected: yes. Observed: 1 variant allele.
Comment: ACMG criteria applied: PP1_STR, PS4_MOD, PM3, PM2_SUP, PP3

Laboratory of Diagnosis and Therapy of Lysosomal Disorders, University of Padova
Classification: Likely pathogenic for Mucopolysaccharidosis type 6. Last evaluated: 2018-01-01. Review status: criteria provided, single submitter. Criteria: ACMG Guidelines, 2015. Collection method: curation. Allele origin: germline. Affected: yes.
Comment: In vitro functional studies supportive of a damaging effect on the gene product (low to no ARSB activity in homozygotes; PS3); Absent from GnomAD (PM2); Multiple lines of computational evidence support a deleterious effect on the gene product (PP3)

Literature cited by the submitters: PubMed 24677745 (cited by Laboratory of Diagnosis and Therapy of Lysosomal Disorders, University of Padova); PubMed 28884960 (cited by Laboratory of Diagnosis and Therapy of Lysosomal Disorders, University of Padova); PubMed 30118150 (cited by Laboratory of Diagnosis and Therapy of Lysosomal Disorders, University of Padova).

NM_000046.5(ARSB):c.1168G>A (p.Glu390Lys)

Gene: ARSB (arylsulfatase B; minus strand). Cytogenetic location: 5q14.1.
Variant type: single nucleotide variant.
Coding change: c.1168G>A on transcript NM_000046.5 (MANE Select); coding-DNA position 1168, G replaced by A.
Protein change: p.Glu390Lys; replaces glutamic acid 390 with lysine.
Molecular consequence: missense variant.
Genome position (GRCh38, 1-based): chr5:78,839,401, C>T on the plus strand (G>A on the coding strand, the complement: ARSB is on the minus strand). VCF-style: chr5-78839401-C-T. GRCh37 (hg19) VCF-style: chr5-78135224-C-T.
Other names: c.1168G>A, p.Glu390Lys (NM_198709.3); short protein forms E390K.
Identifiers: ClinVar variation 559685 (VCV000559685.2), dbSNP rs1554074132, ClinGen allele CA360338692.